The following is an entry in ClinVar:

NM_000601.6(HGF):c.238C>T (p.Leu80Phe)

Gene: HGF (hepatocyte growth factor; minus strand). Cytogenetic location: 7q21.11.
Variant type: single nucleotide variant.
Coding change: c.238C>T on transcript NM_000601.6 (MANE Select); coding-DNA position 238, C replaced by T.
Protein change: p.Leu80Phe; replaces leucine 80 with phenylalanine.
Molecular consequence: missense variant.
Genome position (GRCh38, 1-based): chr7:81,762,723, G>A on the plus strand (C>T on the coding strand, the complement: HGF is on the minus strand). VCF-style: chr7-81762723-G-A. GRCh37 (hg19) VCF-style: chr7-81392039-G-A.
Other names: c.238C>T, p.Leu80Phe (NM_001010931.3, NM_001010932.3, NM_001010933.3 and 1 more transcripts); short protein forms L80F.
Identifiers: ClinVar variation 3573728 (VCV003573728.1).

ClinVar aggregate classification (germline): Uncertain significance (1 of 4 stars; one submission).

gnomAD v4.1: 4 of 1,612,484 alleles (0.00025%); highest among the groups gnomAD compares: African/African-American, 0.0053%; no homozygotes.

Submission:

GeneDx
Classification: Uncertain significance. Last evaluated: 2024-07-19. Review status: criteria provided, single submitter. Criteria: GeneDx Variant Classification Process June 2021. Collection method: clinical testing. Allele origin: germline. Affected: yes.
Comment: In silico analysis supports that this missense variant has a deleterious effect on protein structure/function; Has not been previously published as pathogenic or benign to our knowledge